The following is an entry in ClinVar:

ClinVar aggregate classification (germline): Pathogenic. Review status: reviewed by expert panel (3 of 4 stars). 7 submissions from 7 submitters: Pathogenic (1). 6 of the submissions do not count toward it. Last evaluated 2016-09-08.

Conditions:
Breast-ovarian cancer, familial, susceptibility to, 2 (BROVCA2). Also called: BRCA2 Hereditary Breast and Ovarian Cancer. Identifiers: Orphanet 145, MedGen C2675520, MONDO:0012933, OMIM 612555. Disease mechanism: loss of function.
BRCA2-related cancer predisposition. Identifiers: MedGen CN377758, MONDO:0700269.
Hereditary cancer-predisposing syndrome. Also called: Neoplastic Syndromes, Hereditary; Tumor predisposition; Hereditary Cancer Syndrome; Hereditary neoplastic syndrome. Identifiers: Orphanet 140162, MedGen C0027672, MeSH D009386, MONDO:0015356.

Allele frequency attached by ClinVar (database versions not stated): gnomAD exomes below 0.00001.
gnomAD v4.1: 1 of 1,613,942 alleles (0.000062%); highest among the groups gnomAD compares: Non-Finnish European, 0.000085%; no homozygotes.

Submissions (7):

Evidence-based Network for the Interpretation of Germline Mutant Alleles (ENIGMA)
Classification: Pathogenic for Breast-ovarian cancer, familial, susceptibility to, 2. Last evaluated: 2016-09-08. Review status: reviewed by expert panel. Criteria: ENIGMA BRCA1/2 Classification Criteria (2015). Collection method: curation. Allele origin: germline.
Comment: Variant allele predicted to encode a truncated non-functional protein.

All of Us Research Program, National Institutes of Health
Classification: Pathogenic for BRCA2-related cancer predisposition. Last evaluated: 2024-08-23. Review status: criteria provided, single submitter. Criteria: ACMG Guidelines, 2015. Collection method: clinical testing. Allele origin: germline. Inheritance: Autosomal dominant inheritance. Observed: 1 variant allele, 1 heterozygote. Not counted in ClinVar's aggregate classification.
Comment: This variant changes 1 nucleotide in exon 10 of the BRCA2 gene, creating a premature translation stop signal. This variant is expected to result in an absent or non-functional protein product. To our knowledge, this variant has not been reported in individuals affected with BRCA2-related disorders in the literature. This variant has not been identified in the general population by the Genome Aggregation Database (gnomAD). Loss of BRCA2 function is a known mechanism of disease. Based on the available evidence, this variant is classified as Pathogenic.

This study involves interpretation of variants in research participants for the purpose of population health screening. Participant phenotype was not available at the time of variant classification. Additional details can be found in publication PMID: 35346344, PMCID: PMC8962531

Ambry Genetics
Classification: Pathogenic for Hereditary cancer-predisposing syndrome. Last evaluated: 2018-12-13. Review status: criteria provided, single submitter. Criteria: Ambry Variant Classification Scheme 2023. Collection method: clinical testing. Allele origin: germline. Not counted in ClinVar's aggregate classification.
Comment: The p.S401* pathogenic mutation (also known as c.1202C>G), located in coding exon 9 of the BRCA2 gene, results from a C to G substitution at nucleotide position 1202. This changes the amino acid from a serine to a stop codon within coding exon 9. This alteration is expected to result in loss of function by premature protein truncation or nonsense-mediated mRNA decay. As such, this alteration is interpreted as a disease-causing mutation.

Clinical Genetics DNA and cytogenetics Diagnostics Lab, Erasmus MC, Erasmus Medical Center
Classification: Pathogenic for Breast-ovarian cancer, familial, susceptibility to, 2. Last evaluated: 2015-09-21. Review status: criteria provided, single submitter. Criteria: ACGS Guidelines, 2013. Collection method: clinical testing. Allele origin: germline. Affected: yes. Study: VKGL Data-share Consensus. Not counted in ClinVar's aggregate classification.

Genome Diagnostics Laboratory, University Medical Center Utrecht
Classification: Pathogenic for Breast-ovarian cancer, familial, susceptibility to, 2. Last evaluated: 2014-10-08. Review status: criteria provided, single submitter. Criteria: ACGS Guidelines, 2013. Collection method: clinical testing. Allele origin: germline. Affected: yes. Study: VKGL Data-share Consensus. Not counted in ClinVar's aggregate classification.

Breast Cancer Information Core (BIC) (BRCA2)
Classification: Pathogenic for Breast-ovarian cancer, familial 2. Last evaluated: 1999-06-22. Review status: no assertion criteria provided. Collection method: clinical testing. Allele origin: germline. Affected: yes. Observed: 1 variant allele. Not counted in ClinVar's aggregate classification.

Diagnostic Laboratory, Department of Genetics, University Medical Center Groningen
Classification: Pathogenic for Breast-ovarian cancer, familial, susceptibility to, 2. Review status: no assertion criteria provided. Collection method: clinical testing. Allele origin: germline. Affected: yes. Study: VKGL Data-share Consensus. Not counted in ClinVar's aggregate classification.

NM_000059.4(BRCA2):c.1202C>G (p.Ser401Ter)

Gene: BRCA2 (BRCA2 DNA repair associated; plus strand). Cytogenetic location: 13q13.1.
Variant type: single nucleotide variant.
Coding change: c.1202C>G on transcript NM_000059.4 (MANE Select); coding-DNA position 1202, C replaced by G.
Protein change: p.Ser401Ter; replaces serine 401 with a stop codon.
Molecular consequence: nonsense.
Genome position (GRCh38, 1-based): chr13:32,332,680, C>G. VCF-style: chr13-32332680-C-G. GRCh37 (hg19) VCF-style: chr13-32906817-C-G.
Other names: short protein forms S401*.
Identifiers: ClinVar variation 51081 (VCV000051081.8), dbSNP rs80358413, ClinGen allele CA011159.
Genomic context (GRCh38, chr13:32,332,680, plus strand): 5'-ACAAAATCTCCAAGGAAGTTGTACCGTCTTTGGCCTGTGAATGGTCTCAACTAACCCTTT[C>G]AGGTCTAAATGGAGCCCAGATGGAGAAAATACCCCTATTGCATATTTCTTCATGTGACCA-3'